The following is an entry in ClinVar:

NM_005027.4(PIK3R2):c.2080C>T (p.Leu694=)

Gene: PIK3R2 (phosphoinositide-3-kinase regulatory subunit 2; plus strand). Cytogenetic location: 19p13.11.
Variant type: single nucleotide variant.
Coding change: c.2080C>T on transcript NM_005027.4 (MANE Select); coding-DNA position 2080, C replaced by T.
Protein change: p.Leu694=; no amino-acid change (leucine 694 retained).
Molecular consequence: synonymous variant. On other transcripts: non-coding transcript variant (2).
Genome position (GRCh38, 1-based): chr19:18,169,187, C>T. VCF-style: chr19-18169187-C-T. GRCh37 (hg19) VCF-style: chr19-18279997-C-T.
Other names: c.2080C>T, p.Leu694= (LRG_1392t1).
Identifiers: ClinVar variation 468321 (VCV000468321.14), dbSNP rs116321373, ClinGen allele CA9307250.

ClinVar aggregate classification (germline): Benign. Review status: criteria provided, multiple submitters, no conflicts (2 of 4 stars). 4 submissions from 4 submitters: Benign (3). 1 of the submissions does not count toward it. Last evaluated 2026-02-01.

Conditions:
Megalencephaly-polymicrogyria-postaxial polydactyly-hydrocephalus syndrome. Also called: MEG-PMG-MEGACC SYNDROME; MPPH Syndrome. Identifiers: Orphanet 83473, MedGen C1863924, MONDO:0019375.
PIK3R2-related disorder. Also called: PIK3R2-related condition.

Allele frequency attached by ClinVar (database versions not stated): ExAC 0.00358; gnomAD 0.01164 and 0.01259; TOPMed 0.01246; gnomAD exomes 0.00114 and 0.00289; 1000 Genomes Project 30x 0.01280; 1000 Genomes Project 0.01318; ESP Exome Variant Server 0.01400.
gnomAD v4.1: 3,494 of 1,609,158 alleles (0.22%); highest among the groups gnomAD compares: African/African-American, 4.2%; 78 homozygotes.

Submissions (4):

Labcorp Genetics (formerly Invitae), Labcorp
Classification: Benign for Megalencephaly-polymicrogyria-postaxial polydactyly-hydrocephalus syndrome. Last evaluated: 2026-02-01. Review status: criteria provided, single submitter. Criteria: Invitae Variant Classification Sherloc (09022015). Collection method: clinical testing. Allele origin: germline.

GeneDx
Classification: Benign. Last evaluated: 2019-09-04. Review status: criteria provided, single submitter. Criteria: GeneDx Variant Classification Process June 2021. Collection method: clinical testing. Allele origin: germline. Affected: yes.

Breakthrough Genomics
Classification: Benign. Review status: criteria provided, single submitter. Criteria: ACMG Guidelines, 2015. Collection method: not provided. Allele origin: germline. Inheritance: Autosomal dominant inheritance. Affected: yes.

PreventionGenetics, part of Exact Sciences
Classification: Benign for PIK3R2-related condition. Last evaluated: 2024-09-11. Review status: no assertion criteria provided. Collection method: clinical testing. Allele origin: germline. Not counted in ClinVar's aggregate classification.
Comment: This variant is classified as benign based on ACMG/AMP sequence variant interpretation guidelines (Richards et al. 2015 PMID: 25741868, with internal and published modifications).